The following is an entry in ClinVar:

NM_022114.4(PRDM16):c.1012G>A (p.Glu338Lys)

Gene: PRDM16 (PR/SET domain 16; plus strand). Cytogenetic location: 1p36.32.
Variant type: single nucleotide variant.
Coding change: c.1012G>A on transcript NM_022114.4 (MANE Select); coding-DNA position 1012, G replaced by A.
Protein change: p.Glu338Lys; replaces glutamic acid 338 with lysine.
Molecular consequence: missense variant.
Genome position (GRCh38, 1-based): chr1:3,404,866, G>A. VCF-style: chr1-3404866-G-A. GRCh37 (hg19) VCF-style: chr1-3321430-G-A.
Other names: c.1012G>A, p.Glu338Lys (NM_199454.3); short protein forms E338K.
Identifiers: ClinVar variation 1018879 (VCV001018879.9), dbSNP rs1238631051, ClinGen allele CA338005042.
Genomic context (GRCh38, chr1:3,404,866, plus strand): 5'-TTCAACTGGAAGTCCAACCTCATCCGCCACCAGATGTCCCACGACAGCGGCAAACGCTTC[G>A]AATGTGAAAACTGCGTGAAGGTAACCTGCGGGGCGGCCCCGTCTCAGCCCCGGGGCAGCA-3'
Protein context (NP_071397.3, residues 328-348): QMSHDSGKRF[Glu338Lys]CENCVKVFTD

ClinVar aggregate classification (germline): Uncertain significance. Review status: criteria provided, multiple submitters, no conflicts (2 of 4 stars). 2 submissions from 2 submitters: Uncertain significance (2). Last evaluated 2020-02-27.

Conditions:
Left ventricular noncompaction 8 (LVNC8). Identifiers: Orphanet 154, Orphanet 54260, MedGen C3809288, MONDO:0014152, OMIM 615373.

Allele frequency attached by ClinVar (database versions not stated): gnomAD exomes below 0.00001; gnomAD 0.00001.
gnomAD v4.1: 4 of 1,613,080 alleles (0.00025%); highest among the groups gnomAD compares: Non-Finnish European, 0.00034%; no homozygotes.

Submissions (2):

Labcorp Genetics (formerly Invitae), Labcorp
Classification: Uncertain significance for Left ventricular noncompaction 8. Last evaluated: 2020-02-27. Review status: criteria provided, single submitter. Criteria: Invitae Variant Classification Sherloc (09022015). Collection method: clinical testing. Allele origin: germline.
Comment: In summary, the available evidence is currently insufficient to determine the role of this variant in disease. Therefore, it has been classified as a Variant of Uncertain Significance. Algorithms developed to predict the effect of missense changes on protein structure and function (SIFT, PolyPhen-2, Align-GVGD) all suggest that this variant is likely to be tolerated, but these predictions have not been confirmed by published functional studies and their clinical significance is uncertain. This variant has not been reported in the literature in individuals with PRDM16-related disease. This variant is not present in population databases (ExAC no frequency). This sequence change replaces glutamic acid with lysine at codon 338 of the PRDM16 protein (p.Glu338Lys). The glutamic acid residue is moderately conserved and there is a small physicochemical difference between glutamic acid and lysine.

Blueprint Genetics
Classification: Uncertain significance. Last evaluated: 2018-03-02. Review status: criteria provided, single submitter. Criteria: ACMG Guidelines, 2015. Collection method: clinical testing. Allele origin: germline.